The following is an entry in ClinVar:

ClinVar aggregate classification (germline): Pathogenic. Review status: criteria provided, multiple submitters, no conflicts (2 of 4 stars). 6 submissions from 6 submitters: Pathogenic (4). 2 of the submissions do not count toward it. Last evaluated 2026-01-26.

Conditions:
Autism spectrum disorder. Also called: Autism spectrum disorders. Identifiers: MedGen C1510586, MeSH D000067877, MONDO:0005258.
Autosomal recessive juvenile Parkinson disease 2. Also called: Parkinson disease autosomal recessive, early onset; Juvenile parkinsonism; Parkinsonism, early onset, with diurnal fluctuation; PRKN-Related Early-Onset Parkinson Disease; PARKINSON DISEASE, JUVENILE, AUTOSOMAL RECESSIVE; Parkinson disease, juvenile, type 2. Identifiers: Orphanet 2828, MedGen C1868675, MONDO:0010820, OMIM 600116.

Allele frequency attached by ClinVar (database versions not stated): ExAC 0.00001; gnomAD exomes 0.00001; TOPMed 0.00001.
gnomAD v4.1: 7 of 1,614,020 alleles (0.00043%); highest among the groups gnomAD compares: East Asian, 0.0022%; no homozygotes.

Submissions (6):

Medical and Scientific Branch, Hong Kong Genome Institute
Classification: Pathogenic for Autosomal recessive juvenile Parkinson disease 2. Last evaluated: 2026-01-26. Review status: criteria provided, single submitter. Criteria: ACMG Guidelines, 2015. Collection method: clinical testing. Allele origin: unknown. Affected: yes.

First Genomix Gene Laboratory, Genetic Diagnostics Department
Classification: Pathogenic for Autosomal recessive juvenile Parkinson disease 2. Last evaluated: 2025-03-27. Review status: criteria provided, single submitter. Criteria: ACMG Guidelines, 2015. Collection method: clinical testing. Allele origin: germline. Inheritance: Autosomal recessive inheritance. Affected: no. Observed: 1 variant allele.

Labcorp Genetics (formerly Invitae), Labcorp
Classification: Pathogenic. Last evaluated: 2023-07-08. Review status: criteria provided, single submitter. Criteria: Invitae Variant Classification Sherloc (09022015). Collection method: clinical testing. Allele origin: germline.
Comment: ClinVar contains an entry for this variant (Variation ID: 409266). Advanced modeling of protein sequence and biophysical properties (such as structural, functional, and spatial information, amino acid conservation, physicochemical variation, residue mobility, and thermodynamic stability) has been performed at Invitae for this missense variant, however the output from this modeling did not meet the statistical confidence thresholds required to predict the impact of this variant on PRKN protein function. Experimental studies have shown that this missense change affects PRKN function (PMID: 26161729). For these reasons, this variant has been classified as Pathogenic. This missense change has been observed in individuals with autosomal recessive early-onset Parkinson disease (PMID: 12973932, 15642853, 18554280, 20399249, 24831986, 25045378, 27177722). It has also been observed to segregate with disease in related individuals. This sequence change replaces glycine, which is neutral and non-polar, with arginine, which is basic and polar, at codon 284 of the PRKN protein (p.Gly284Arg). This variant is present in population databases (rs751037529, gnomAD 0.01%).

Department of Neurology, Qilu Hospital of Shandong University
Classification: Pathogenic for Autosomal recessive juvenile Parkinson disease 2. Last evaluated: 2020-04-01. Review status: criteria provided, single submitter. Criteria: ACMG2015. Collection method: clinical testing. Allele origin: germline. Affected: yes. Observed: 2 variant alleles.

Gene Friend Way, National Innovation Center
Classification: Pathogenic for Autism spectrum disorder. Last evaluated: 2023-07-28. Review status: no assertion criteria provided. Collection method: clinical testing. Allele origin: unknown. Affected: yes. Observed: 1 variant allele. Not counted in ClinVar's aggregate classification.
Comment: This missense change has been observed in individuals with autosomal recessive early-onset Parkinson disease (PMID: 12973932, 15642853, 18554280, 20399249, 24831986, 25045378, 27177722). Experimental studies have shown that this missense change affected PRKN function (PMID: 26161729). In addition, the loss of the Prkn gene in mice resulted in autistic-like behaviors, accompanied with altered neuronal activity, abnormalities in synapse formation and synaptic molecular composition (PMID: 35789851). Disfunctional PARK2 may be associated with Autism Spectrum Disorder (ASD) (PMID: 36478299).

Developmental and Behavioral Pediatrics, First Affiliated Hospital of Jilin University
Classification: Pathogenic for Autosomal recessive juvenile Parkinson disease 2. Review status: no assertion criteria provided. Collection method: clinical testing. Allele origin: paternal. Not counted in ClinVar's aggregate classification.

Literature cited by the submitters: PubMed 26161729 (cited by Labcorp Genetics (formerly Invitae), Labcorp); PubMed 12973932 (cited by Labcorp Genetics (formerly Invitae), Labcorp); PubMed 15642853 (cited by Labcorp Genetics (formerly Invitae), Labcorp); PubMed 18554280 (cited by Labcorp Genetics (formerly Invitae), Labcorp); PubMed 20399249 (cited by Labcorp Genetics (formerly Invitae), Labcorp); PubMed 24831986 (cited by Labcorp Genetics (formerly Invitae), Labcorp and Department of Neurology, Qilu Hospital of Shandong University); PubMed 25045378 (cited by Labcorp Genetics (formerly Invitae), Labcorp); PubMed 27177722 (cited by Labcorp Genetics (formerly Invitae), Labcorp and Department of Neurology, Qilu Hospital of Shandong University); PubMed 12673578 (cited by Department of Neurology, Qilu Hospital of Shandong University); PubMed 25525159 (cited by Department of Neurology, Qilu Hospital of Shandong University); PubMed 30702579 (cited by Department of Neurology, Qilu Hospital of Shandong University); PubMed 30994895 (cited by Department of Neurology, Qilu Hospital of Shandong University); PubMed 32391545 (cited by Department of Neurology, Qilu Hospital of Shandong University); PubMed 32446772 (cited by Department of Neurology, Qilu Hospital of Shandong University); PubMed 32613234 (cited by Department of Neurology, Qilu Hospital of Shandong University); PubMed 32677319 (cited by Department of Neurology, Qilu Hospital of Shandong University); PubMed 33373675 (cited by Department of Neurology, Qilu Hospital of Shandong University); PubMed 34426522 (cited by Department of Neurology, Qilu Hospital of Shandong University); PubMed 35645773 (cited by Department of Neurology, Qilu Hospital of Shandong University); PubMed 35861376 (cited by Department of Neurology, Qilu Hospital of Shandong University); PubMed 36891473 (cited by Department of Neurology, Qilu Hospital of Shandong University); PubMed 37198191 (cited by Department of Neurology, Qilu Hospital of Shandong University); PubMed 37453004 (cited by Department of Neurology, Qilu Hospital of Shandong University).

NM_004562.3(PRKN):c.850G>C (p.Gly284Arg)

Gene: PRKN (parkin RBR E3 ubiquitin protein ligase; minus strand). Cytogenetic location: 6q26.
Variant type: single nucleotide variant.
Coding change: c.850G>C on transcript NM_004562.3 (MANE Select); coding-DNA position 850, G replaced by C.
Protein change: p.Gly284Arg; replaces glycine 284 with arginine.
Molecular consequence: missense variant.
Genome position (GRCh38, 1-based): chr6:161,785,793, C>G on the plus strand (G>C on the coding strand, the complement: PRKN is on the minus strand). VCF-style: chr6-161785793-C-G. GRCh37 (hg19) VCF-style: chr6-162206825-C-G.
Other names: c.766G>C, p.Gly256Arg (NM_013987.3); c.403G>C, p.Gly135Arg (NM_013988.3); short protein forms G284R, G135R, G256R.
Identifiers: ClinVar variation 409266 (VCV000409266.40), dbSNP rs751037529, ClinGen allele CA4090202.
Genomic context (GRCh38, chr6:161,785,793, plus strand): 5'-ATTAGCATTAGAGATGGAGAGAAAACATGCTAGACTTACCCACACAAGGCAGGGAGTAGC[C>G]AAGTTGAGGGTCGTGAACAAACTGCCGATCATTGAGTCTTGTCACACAGTATAAGTGGAA-3'
Protein context (NP_004553.2, residues 274-294): DRQFVHDPQL[Gly284Arg]YSLPCVAGCP